The following is an entry in ClinVar:

NM_000214.3(JAG1):c.333C>G (p.Ala111=)

Gene: JAG1 (jagged canonical Notch ligand 1; minus strand). Cytogenetic location: 20p12.2.
Variant type: single nucleotide variant.
Coding change: c.333C>G on transcript NM_000214.3 (MANE Select); coding-DNA position 333, C replaced by G.
Protein change: p.Ala111=; no amino-acid change (alanine 111 retained).
Molecular consequence: synonymous variant.
Genome position (GRCh38, 1-based): chr20:10,672,755, G>C on the plus strand (C>G on the coding strand, the complement: JAG1 is on the minus strand). VCF-style: chr20-10672755-G-C. GRCh37 (hg19) VCF-style: chr20-10653403-G-C.
Identifiers: ClinVar variation 3573445 (VCV003573445.2).

Conditions:
Arteriohepatic dysplasia. Also called: Alagille Syndrome. Identifiers: Orphanet 52, MedGen C0085280, MeSH D016738, MONDO:0007318.

Submission:

Gilbert/Spinner Lab, Children's Hospital of Philadelphia
No classification provided (evidence only). Condition: Alagille syndrome. Review status: no classification provided. Collection method: research. Allele origin: not applicable. Functional consequence: functionally_abnormal.
ClinVar note: "not provided" was previously submitted as the classification for the variant. However, the classification appeared to be based only on an observation of functional data so it was converted to no classification on 2025-07-30.